The following is an entry in ClinVar:

NM_130839.5(UBE3A):c.2280G>T (p.Arg760=)

Genes: SNHG14 (small nucleolar RNA host gene 14; plus strand), UBE3A (ubiquitin protein ligase E3A; minus strand). Cytogenetic location: 15q11.2.
Variant type: single nucleotide variant.
Coding change: c.2280G>T on transcript NM_130839.5 (MANE Select); coding-DNA position 2280, G replaced by T.
Protein change: p.Arg760=; no amino-acid change (arginine 760 retained).
Molecular consequence: synonymous variant. On other transcripts: non-coding transcript variant (1), intron variant (3).
Genome position (GRCh38, 1-based): chr15:25,354,528, C>A on the plus strand (G>T on the coding strand, the complement: UBE3A is on the minus strand). VCF-style: chr15-25354528-C-A. GRCh37 (hg19) VCF-style: chr15-25599675-C-A.
Other names: c.2289G>T, p.Arg763= (NM_000462.5); c.2280G>T, p.Arg760= (NM_001354505.1, NM_001354538.2); c.2220G>T, p.Arg740= (NM_001354506.2, NM_001354507.2, NM_001354508.2 and 14 more transcripts); c.2103G>T, p.Arg701= (NM_001354546.2); c.2055G>T, p.Arg685= (NM_001354549.2); c.1029G>T, p.Arg343= (NM_001354550.2); c.969G>T, p.Arg323= (NM_001354551.2); c.2065-102G>T (NM_001354548.2, NM_001354547.2); and 1 more.
Identifiers: ClinVar variation 4891039 (VCV004891039.1).

ClinVar aggregate classification (germline): Likely pathogenic (1 of 4 stars; one submission).

Conditions:
Angelman syndrome (AS). Also called: HAPPY PUPPET SYNDROME. Identifiers: Orphanet 72, MedGen C0162635, MONDO:0007113, OMIM 105830. Disease mechanism: loss of function. Inheritance: AS is caused by disruption of maternally imprinted UBE3A located within the 15q11.2-q13 Angelman syndrome/Prader-Willi syndrome (AS/PWS) region., imprinting disorder.

Submission:

Greenwood Genetic Center Diagnostic Laboratories, Greenwood Genetic Center
Classification: Likely pathogenic for Angelman syndrome. Last evaluated: 2026-04-28. Review status: criteria provided, single submitter. Criteria: ACMG Guidelines, 2015. Collection method: clinical testing. Allele origin: germline. Affected: yes.
Comment: PS2, PM2, PP3